The following is an entry in ClinVar:

ClinVar aggregate classification (germline): Uncertain significance (1 of 4 stars; one submission).

Conditions:
Hyperinsulinism-hyperammonemia syndrome (HHF6). Identifiers: Orphanet 35878, MedGen C1847555, MONDO:0011717, OMIM 606762.

Submission:

Labcorp Genetics (formerly Invitae), Labcorp
Classification: Uncertain significance for Hyperinsulinism-hyperammonemia syndrome. Last evaluated: 2019-03-14. Review status: criteria provided, single submitter. Criteria: Invitae Variant Classification Sherloc (09022015). Collection method: clinical testing. Allele origin: germline.
Comment: This variant, c.1078_1079insAGTCCATTCTGG, results in the insertion of 4 amino acid(s) to the GLUD1 protein (p.Leu359_Gly360insGluSerIleLeu), but otherwise preserves the integrity of the reading frame. This variant has not been reported in the literature in individuals with GLUD1-related conditions. Experimental studies and prediction algorithms are not available for this variant, and the functional significance of the affected amino acid(s) is currently unknown. In summary, the available evidence is currently insufficient to determine the role of this variant in disease. Therefore, it has been classified as a Variant of Uncertain Significance. This variant is not present in population databases (ExAC no frequency).

NM_005271.5(GLUD1):c.1078_1079insAGTCCATTCTGG (p.Leu359_Gly360insGluSerIleLeu)

Gene: GLUD1 (glutamate dehydrogenase 1; minus strand). Cytogenetic location: 10q23.2.
Variant type: Insertion.
Coding change: c.1078_1079insAGTCCATTCTGG on transcript NM_005271.5 (MANE Select); coding-DNA positions 1078 to 1079, AGTCCATTCTGG inserted.
Protein change: p.Leu359_Gly360insGluSerIleLeu.
Molecular consequence: inframe insertion.
Genome position: GRCh38 VCF-style: chr10-87060806-C-CCCAGAATGGACT. GRCh37 (hg19) VCF-style: chr10-88820563-C-CCCAGAATGGACT.
Other names: c.679_680insAGTCCATTCTGG, p.Leu226_Gly227insGluSerIleLeu (NM_001318900.1); c.577_578insAGTCCATTCTGG, p.Leu192_Gly193insGluSerIleLeu (NM_001318901.1, NM_001318902.1, NM_001318904.2 and 2 more transcripts).
Identifiers: ClinVar variation 856464 (VCV000856464.9), dbSNP rs1845910499, ClinGen allele CA916083155.